The following is an entry in ClinVar:

NM_014028.4(OSTM1):c.*2344C>G

Gene: OSTM1 (osteoclastogenesis associated transmembrane protein 1; minus strand). Cytogenetic location: 6q21.
Variant type: single nucleotide variant.
Coding change: c.*2344C>G on transcript NM_014028.4 (MANE Select); 2344 bases downstream of the stop codon, C replaced by G.
Molecular consequence: 3 prime UTR variant.
Genome position (GRCh38, 1-based): chr6:108,042,441, G>C on the plus strand (C>G on the coding strand, the complement: OSTM1 is on the minus strand). VCF-style: chr6-108042441-G-C. GRCh37 (hg19) VCF-style: chr6-108363645-G-C.
Identifiers: ClinVar variation 354943 (VCV000354943.5), dbSNP rs113263335, ClinGen allele CA10625646.
Genomic context (GRCh38, chr6:108,042,441, plus strand): 5'-GCAAAATTTAAGACAGACAGTACTTTCTTTTTTCTTTTTTTTTTTTTTTTTTTGAGACAA[G>C]GTCTGGCTCTGTCGCCCAGGTTGGAATGCAGTGGTACAATCTTGGCTCATTGCAACCTCC-3'

ClinVar aggregate classification (germline): Benign (1 of 4 stars; one submission).

Conditions:
Autosomal recessive osteopetrosis 5. Identifiers: Orphanet 85179, MedGen C1968603, MONDO:0009817, OMIM 259720.

Allele frequency attached by ClinVar (database versions not stated): gnomAD 0.09290 and 0.09314; TOPMed 0.11153; 1000 Genomes Project 0.13918; 1000 Genomes Project 30x 0.14725.

Submission:

Illumina Laboratory Services, Illumina
Classification: Benign for Autosomal recessive osteopetrosis 5. Last evaluated: 2018-01-13. Review status: criteria provided, single submitter. Criteria: ICSL Variant Classification Criteria 13 December 2019. Collection method: clinical testing. Allele origin: germline.
Comment: This variant was observed in the ICSL laboratory as part of a predisposition screen in an ostensibly healthy population. It had not been previously curated by ICSL or reported in the Human Gene Mutation Database (HGMD: prior to June 1st, 2018), and was therefore a candidate for classification through an automated scoring system. Utilizing variant allele frequency, disease prevalence and penetrance estimates, and inheritance mode, an automated score was calculated to assess if this variant is too frequent to cause the disease. Based on the score and internal cut-off values, a variant classified as benign is not then subjected to further curation. The score for this variant resulted in a classification of benign for this disease.